The following is an entry in ClinVar:

ClinVar aggregate classification (germline): Uncertain significance (1 of 4 stars; one submission).

Allele frequency attached by ClinVar (database versions not stated): gnomAD exomes 0.00001; TOPMed 0.00001.
gnomAD v4.1: 14 of 1,614,086 alleles (0.00087%); highest among the groups gnomAD compares: Non-Finnish European, 0.0012%; no homozygotes.

Submission:

Labcorp Genetics (formerly Invitae), Labcorp
Classification: Uncertain significance. Last evaluated: 2024-12-09. Review status: criteria provided, single submitter. Criteria: Invitae Variant Classification Sherloc (09022015). Collection method: clinical testing. Allele origin: germline.
Comment: This sequence change replaces threonine, which is neutral and polar, with asparagine, which is neutral and polar, at codon 183 of the COL4A1 protein (p.Thr183Asn). This variant is present in population databases (no rsID available, gnomAD 0.002%). This variant has not been reported in the literature in individuals affected with COL4A1-related conditions. ClinVar contains an entry for this variant (Variation ID: 1413023). Invitae Evidence Modeling of protein sequence and biophysical properties (such as structural, functional, and spatial information, amino acid conservation, physicochemical variation, residue mobility, and thermodynamic stability) indicates that this missense variant is not expected to disrupt COL4A1 protein function with a negative predictive value of 95%. In summary, the available evidence is currently insufficient to determine the role of this variant in disease. Therefore, it has been classified as a Variant of Uncertain Significance.

NM_001845.6(COL4A1):c.548C>A (p.Thr183Asn)

Gene: COL4A1 (collagen type IV alpha 1 chain; minus strand). Cytogenetic location: 13q34.
Variant type: single nucleotide variant.
Coding change: c.548C>A on transcript NM_001845.6 (MANE Select); coding-DNA position 548, C replaced by A.
Protein change: p.Thr183Asn; replaces threonine 183 with asparagine.
Molecular consequence: missense variant.
Genome position (GRCh38, 1-based): chr13:110,210,133, G>T on the plus strand (C>A on the coding strand, the complement: COL4A1 is on the minus strand). VCF-style: chr13-110210133-G-T. GRCh37 (hg19) VCF-style: chr13-110862480-G-T.
Other names: c.548C>A, p.Thr183Asn (NM_001303110.2); short protein forms T183N.
Identifiers: ClinVar variation 1413023 (VCV001413023.8), dbSNP rs926037766, ClinGen allele CA256290033.
Genomic context (GRCh38, chr13:110,210,133, plus strand): 5'-ATGCGAACTGGGAGGGTGAGGTGGCACATGTTCATAATGATTCAGCAAATGCTTACTGGA[G>T]TCCCTGGGATTCCGGGAAATCCTCTTTCACCTTTCAACAGCATCCCGGGCACATGGCCAA-3'
Protein context (NP_001836.3, residues 173-193): GERGFPGIPG[Thr183Asn]PGPPGLPGLQ